The following is an entry in ClinVar:

NM_207346.3(TSEN54):c.333C>G (p.Arg111=)

Gene: TSEN54 (tRNA splicing endonuclease subunit 54; plus strand). Cytogenetic location: 17q25.1.
Variant type: single nucleotide variant.
Coding change: c.333C>G on transcript NM_207346.3 (MANE Select); coding-DNA position 333, C replaced by G.
Protein change: p.Arg111=; no amino-acid change (arginine 111 retained).
Molecular consequence: synonymous variant.
Genome position (GRCh38, 1-based): chr17:75,517,208, C>G. VCF-style: chr17-75517208-C-G. GRCh37 (hg19) VCF-style: chr17-73513289-C-G.
Other names: p.R111R:CGC>CGG.
Identifiers: ClinVar variation 137756 (VCV000137756.23), dbSNP rs6501818, ClinGen allele CA173729.

ClinVar aggregate classification (germline): Benign. Review status: criteria provided, multiple submitters, no conflicts (2 of 4 stars). 9 submissions from 9 submitters: Benign (7). 2 of the submissions do not count toward it. Last evaluated 2026-02-04.

Conditions:
Pontoneocerebellar hypoplasia. Also called: Non-syndromic pontocerebellar hypoplasia; Pontocerebellar hypoplasia. Identifiers: Orphanet 98523, MedGen C1261175, MONDO:0020135.

Allele frequency attached by ClinVar (database versions not stated): gnomAD exomes 0.12632 and 0.13374; 1000 Genomes Project 0.16314; 1000 Genomes Project 30x 0.16896; ExAC 0.18161; gnomAD 0.18628 and 0.19222; TOPMed 0.19196; ESP Exome Variant Server 0.19874.
gnomAD v4.1: 222,701 of 1,605,396 alleles (14%); highest among the groups gnomAD compares: African/African-American, 34%; 17,701 homozygotes.

Submissions (9):

Labcorp Genetics (formerly Invitae), Labcorp
Classification: Benign. Last evaluated: 2026-02-04. Review status: criteria provided, single submitter. Criteria: Invitae Variant Classification Sherloc (09022015). Collection method: clinical testing. Allele origin: germline.

Illumina Laboratory Services, Illumina
Classification: Benign for Pontoneocerebellar hypoplasia. Last evaluated: 2018-01-12. Review status: criteria provided, single submitter. Criteria: ICSL Variant Classification Criteria 13 December 2019. Collection method: clinical testing. Allele origin: germline.
Comment: This variant was observed in the ICSL laboratory as part of a predisposition screen in an ostensibly healthy population. It had not been previously curated by ICSL or reported in the Human Gene Mutation Database (HGMD: prior to June 1st, 2018), and was therefore a candidate for classification through an automated scoring system. Utilizing variant allele frequency, disease prevalence and penetrance estimates, and inheritance mode, an automated score was calculated to assess if this variant is too frequent to cause the disease. Based on the score and internal cut-off values, a variant classified as benign is not then subjected to further curation. The score for this variant resulted in a classification of benign for this disease.

Athena Diagnostics
Classification: Benign. Last evaluated: 2017-04-20. Review status: criteria provided, single submitter. Criteria: Athena Diagnostics Criteria. Collection method: clinical testing. Allele origin: germline.

GeneDx
Classification: Benign. Last evaluated: 2013-10-31. Review status: criteria provided, single submitter. Criteria: GeneDx Variant Classification (06012015). Collection method: clinical testing. Allele origin: germline. Affected: yes.
Comment: This variant is considered likely benign or benign based on one or more of the following criteria: it is a conservative change, it occurs at a poorly conserved position in the protein, it is predicted to be benign by multiple in silico algorithms, and/or has population frequency not consistent with disease.

Genetic Services Laboratory, University of Chicago
Classification: Benign. Last evaluated: 2013-02-08. Review status: criteria provided, single submitter. Criteria: ACMG Guidelines, 2007. Collection method: clinical testing. Allele origin: germline. Inheritance: Autosomal recessive inheritance.

Breakthrough Genomics
Classification: Benign. Review status: criteria provided, single submitter. Criteria: ACMG Guidelines, 2015. Collection method: not provided. Allele origin: germline. Inheritance: Autosomal recessive inheritance. Affected: yes.

PreventionGenetics, part of Exact Sciences
Classification: Benign. Review status: criteria provided, single submitter. Criteria: ACMG Guidelines, 2015. Collection method: clinical testing. Allele origin: germline.

Clinical Genetics DNA and cytogenetics Diagnostics Lab, Erasmus MC, Erasmus Medical Center
Classification: Benign. Review status: no assertion criteria provided. Collection method: clinical testing. Allele origin: germline. Affected: yes. Study: VKGL Data-share Consensus. Not counted in ClinVar's aggregate classification.

Clinical Genetics, Academic Medical Center
Classification: Benign. Review status: no assertion criteria provided. Collection method: clinical testing. Allele origin: germline. Affected: yes. Study: VKGL Data-share Consensus. Not counted in ClinVar's aggregate classification.